The following is an entry in ClinVar:

NM_014423.4(AFF4):c.2534G>T (p.Ser845Ile)

Gene: AFF4 (ALF transcription elongation factor 4; minus strand). Cytogenetic location: 5q31.1.
Variant type: single nucleotide variant.
Coding change: c.2534G>T on transcript NM_014423.4 (MANE Select); coding-DNA position 2534, G replaced by T.
Protein change: p.Ser845Ile; replaces serine 845 with isoleucine.
Molecular consequence: missense variant.
Genome position (GRCh38, 1-based): chr5:132,892,267, C>A on the plus strand (G>T on the coding strand, the complement: AFF4 is on the minus strand). VCF-style: chr5-132892267-C-A. GRCh37 (hg19) VCF-style: chr5-132227959-C-A.
Other names: short protein forms S845I.
Identifiers: ClinVar variation 4994530 (VCV004994530.1).

ClinVar aggregate classification (germline): Uncertain significance (1 of 4 stars; one submission).

Conditions:
AFF4-related disorder. Also called: AFF4-related condition.

gnomAD v4.1: 5 of 1,614,106 alleles (0.00031%); highest among the groups gnomAD compares: East Asian, 0.0089%; no homozygotes.

Submission:

PreventionGenetics, part of Exact Sciences
Classification: Uncertain significance for AFF4-related condition. Last evaluated: 2026-07-20. Review status: criteria provided, single submitter. Criteria: ACMG Guidelines, 2015. Collection method: clinical testing. Allele origin: germline.
Comment: The AFF4 c.2534G>T variant is predicted to result in the amino acid substitution p.Ser845Ile. To our knowledge, this variant has not been reported in the literature. This variant is reported in 0.010% of alleles in individuals of East Asian descent in gnomAD. At this time, the clinical significance of this variant is uncertain due to the absence of conclusive functional and genetic evidence.